The following is an entry in ClinVar:

NM_016734.3(PAX5):c.1077G>T (p.Arg359Ser)

Gene: PAX5 (paired box 5; minus strand). Cytogenetic location: 9p13.2.
Variant type: single nucleotide variant.
Coding change: c.1077G>T on transcript NM_016734.3 (MANE Select); coding-DNA position 1077, G replaced by T.
Protein change: p.Arg359Ser; replaces arginine 359 with serine.
Molecular consequence: missense variant. On other transcripts: non-coding transcript variant (2), intron variant (5).
Genome position (GRCh38, 1-based): chr9:36,846,865, C>A on the plus strand (G>T on the coding strand, the complement: PAX5 is on the minus strand). VCF-style: chr9-36846865-C-A. GRCh37 (hg19) VCF-style: chr9-36846862-C-A.
Other names: c.975G>T, p.Arg325Ser (NM_001280547.2); c.845G>T, p.Gly282Val (NM_001280549.2); c.948G>T, p.Arg316Ser (NM_001280554.2); c.777G>T, p.Arg259Ser (NM_001280555.2); c.753G>T, p.Arg251Ser (NM_001280556.2); c.587-6229G>T (NM_001280551.2); c.884-6229G>T (NM_001280553.2); c.781-6229G>T (NM_001280550.2); and 2 more; short protein forms R359S, G282V, R259S, R316S, R325S, R251S.
Identifiers: ClinVar variation 3885893 (VCV003885893.1).

ClinVar aggregate classification (germline): Uncertain significance (1 of 4 stars; one submission).

Conditions:
Inborn genetic diseases. Identifiers: MedGen C0950123, MeSH D030342.

Submission:

Ambry Genetics
Classification: Uncertain significance for Inborn genetic diseases. Last evaluated: 2024-12-20. Review status: criteria provided, single submitter. Criteria: Ambry Variant Classification Scheme 2023. Collection method: clinical testing. Allele origin: germline.
Comment: The p.R359S variant (also known as c.1077G>T), located in coding exon 9 of the PAX5 gene, results from a G to T substitution at nucleotide position 1077. The arginine at codon 359 is replaced by serine, an amino acid with dissimilar properties. This amino acid position is conserved. In addition, this alteration is predicted to be deleterious by in silico analysis. Based on the available evidence, the clinical significance of this variant remains unclear.